The following is an entry in ClinVar:

NM_022114.4(PRDM16):c.497G>A (p.Gly166Asp)

Gene: PRDM16 (PR/SET domain 16; plus strand). Cytogenetic location: 1p36.32.
Variant type: single nucleotide variant.
Coding change: c.497G>A on transcript NM_022114.4 (MANE Select); coding-DNA position 497, G replaced by A.
Protein change: p.Gly166Asp; replaces glycine 166 with aspartic acid.
Molecular consequence: missense variant.
Genome position (GRCh38, 1-based): chr1:3,385,210, G>A. VCF-style: chr1-3385210-G-A. GRCh37 (hg19) VCF-style: chr1-3301774-G-A.
Other names: c.497G>A, p.Gly166Asp (NM_199454.3); short protein forms G166D.
Identifiers: ClinVar variation 2873877 (VCV002873877.3), dbSNP rs1173816589, ClinGen allele CA338000530.

ClinVar aggregate classification (germline): Uncertain significance (1 of 4 stars; one submission).

Conditions:
Left ventricular noncompaction 8 (LVNC8). Identifiers: Orphanet 154, Orphanet 54260, MedGen C3809288, MONDO:0014152, OMIM 615373.

Allele frequency attached by ClinVar (database versions not stated): gnomAD exomes 0.00003.
gnomAD v4.1: 40 of 1,613,766 alleles (0.0025%); highest among the groups gnomAD compares: Non-Finnish European, 0.0032%; no homozygotes.

Submission:

Labcorp Genetics (formerly Invitae), Labcorp
Classification: Uncertain significance for Left ventricular noncompaction 8. Last evaluated: 2024-09-12. Review status: criteria provided, single submitter. Criteria: Invitae Variant Classification Sherloc (09022015). Collection method: clinical testing. Allele origin: germline.
Comment: This sequence change replaces glycine, which is neutral and non-polar, with aspartic acid, which is acidic and polar, at codon 166 of the PRDM16 protein (p.Gly166Asp). This variant is present in population databases (no rsID available, gnomAD 0.003%). This variant has not been reported in the literature in individuals affected with PRDM16-related conditions. An algorithm developed to predict the effect of missense changes on protein structure and function (PolyPhen-2) suggests that this variant is likely to be disruptive. In summary, the available evidence is currently insufficient to determine the role of this variant in disease. Therefore, it has been classified as a Variant of Uncertain Significance.